The following is an entry in ClinVar:

NM_015141.4(GPD1L):c.607G>C (p.Gly203Arg)

Gene: GPD1L (glycerol-3-phosphate dehydrogenase 1 like; plus strand). Cytogenetic location: 3p22.3.
Variant type: single nucleotide variant.
Coding change: c.607G>C on transcript NM_015141.4 (MANE Select); coding-DNA position 607, G replaced by C.
Protein change: p.Gly203Arg; replaces glycine 203 with arginine.
Molecular consequence: missense variant.
Genome position (GRCh38, 1-based): chr3:32,146,723, G>C. VCF-style: chr3-32146723-G-C. GRCh37 (hg19) VCF-style: chr3-32188215-G-C.
Other names: short protein forms G203R.
Identifiers: ClinVar variation 2873220 (VCV002873220.4), dbSNP rs2471406045, ClinGen allele CA351967700.

ClinVar aggregate classification (germline): Uncertain significance. Review status: criteria provided, multiple submitters, no conflicts (2 of 4 stars). 2 submissions from 2 submitters: Uncertain significance (2). Last evaluated 2024-04-07.

Conditions:
Brugada syndrome. Also called: Sudden unexpected nocturnal death syndrome; Sudden unexplained nocturnal death syndrome; Sudden Unexplained Death Syndrome; Sudden Unexplained Nocturnal Death Syndrome (SUNDS). Identifiers: Orphanet 130, MedGen C1142166, MONDO:0015263.
Cardiovascular phenotype. Identifiers: MedGen CN230736.

Submissions (2):

Ambry Genetics
Classification: Uncertain significance for Cardiovascular phenotype. Last evaluated: 2024-04-07. Review status: criteria provided, single submitter. Criteria: Ambry Variant Classification Scheme 2023. Collection method: clinical testing. Allele origin: germline.
Comment: The p.G203R variant (also known as c.607G>C), located in coding exon 5 of the GPD1L gene, results from a G to C substitution at nucleotide position 607. The glycine at codon 203 is replaced by arginine, an amino acid with dissimilar properties. This amino acid position is conserved. In addition, this alteration is predicted to be deleterious by in silico analysis. Based on the available evidence, the clinical significance of this variant remains unclear.

Labcorp Genetics (formerly Invitae), Labcorp
Classification: Uncertain significance for Brugada syndrome. Last evaluated: 2024-01-28. Review status: criteria provided, single submitter. Criteria: Invitae Variant Classification Sherloc (09022015). Collection method: clinical testing. Allele origin: germline.
Comment: This sequence change replaces glycine, which is neutral and non-polar, with arginine, which is basic and polar, at codon 203 of the GPD1L protein (p.Gly203Arg). This variant is not present in population databases (gnomAD no frequency). This variant has not been reported in the literature in individuals affected with GPD1L-related conditions. Advanced modeling of protein sequence and biophysical properties (such as structural, functional, and spatial information, amino acid conservation, physicochemical variation, residue mobility, and thermodynamic stability) performed at Invitae indicates that this missense variant is expected to disrupt GPD1L protein function with a positive predictive value of 80%. In summary, the available evidence is currently insufficient to determine the role of this variant in disease. Therefore, it has been classified as a Variant of Uncertain Significance.